The following is an entry in ClinVar:

NM_001370595.2(COA8):c.104G>A (p.Arg35Lys)

Gene: COA8 (cytochrome c oxidase assembly factor 8; plus strand). Cytogenetic location: 14q32.33.
Variant type: single nucleotide variant.
Coding change: c.104G>A on transcript NM_001370595.2 (MANE Select); coding-DNA position 104, G replaced by A.
Protein change: p.Arg35Lys; replaces arginine 35 with lysine.
Molecular consequence: missense variant. On other transcripts: non-coding transcript variant (2).
Genome position (GRCh38, 1-based): chr14:103,563,105, G>A. VCF-style: chr14-103563105-G-A. GRCh37 (hg19) VCF-style: chr14-104029442-G-A.
Other names: c.143G>A (NM_032374.4); c.104G>A, p.Arg35Lys (NM_001302653.2, NM_001302654.2); short protein forms R35K.
Identifiers: ClinVar variation 725984 (VCV000725984.13), dbSNP rs200407081, ClinGen allele CA7365416.

ClinVar aggregate classification (germline): Benign. Review status: criteria provided, multiple submitters, no conflicts (2 of 4 stars). 3 submissions from 3 submitters: Benign (3). Last evaluated 2026-04-17.

Conditions:
COA8-related disorder. Also called: COA8-related condition.

Allele frequency attached by ClinVar (database versions not stated): gnomAD exomes 0.00033 and 0.00161; gnomAD 0.00047 and 0.00059; TOPMed 0.00083; ExAC 0.00128; 1000 Genomes Project 0.00200; 1000 Genomes Project 30x 0.00203.
gnomAD v4.1: 666 of 1,540,070 alleles (0.043%); highest among the groups gnomAD compares: East Asian, 1.2%; 11 homozygotes.

Submissions (3):

PreventionGenetics, part of Exact Sciences
Classification: Benign for COA8-related condition. Last evaluated: 2026-04-17. Review status: criteria provided, single submitter. Criteria: ACMG Guidelines, 2015. Collection method: clinical testing. Allele origin: germline.
Comment: This variant is classified as benign based on ACMG/AMP sequence variant interpretation guidelines (Richards et al. 2015 PMID: 25741868, with internal and published modifications).

Labcorp Genetics (formerly Invitae), Labcorp
Classification: Benign. Last evaluated: 2026-01-26. Review status: criteria provided, single submitter. Criteria: Invitae Variant Classification Sherloc (09022015). Collection method: clinical testing. Allele origin: germline.

GeneDx
Classification: Benign. Last evaluated: 2020-11-18. Review status: criteria provided, single submitter. Criteria: GeneDx Variant Classification Process June 2021. Collection method: clinical testing. Allele origin: germline. Affected: yes.